The following is an entry in ClinVar:

NM_007194.4(CHEK2):c.432T>C (p.Phe144=)

Gene: CHEK2 (checkpoint kinase 2; minus strand). Cytogenetic location: 22q12.1.
Variant type: single nucleotide variant.
Coding change: c.432T>C on transcript NM_007194.4 (MANE Select); coding-DNA position 432, T replaced by C.
Protein change: p.Phe144=; no amino-acid change (phenylalanine 144 retained).
Molecular consequence: synonymous variant.
Genome position (GRCh38, 1-based): chr22:28,725,255, A>G on the plus strand (T>C on the coding strand, the complement: CHEK2 is on the minus strand). VCF-style: chr22-28725255-A-G. GRCh37 (hg19) VCF-style: chr22-29121243-A-G.
Other names: c.432T>C, p.Phe144= (NM_001349956.3, NM_145862.3); c.-346T>C (NM_001257387.3); c.561T>C, p.Phe187= (NM_001005735.3).
Identifiers: ClinVar variation 240746 (VCV000240746.20), dbSNP rs876658374, ClinGen allele CA10583913.

ClinVar aggregate classification (germline): Benign/Likely benign. Review status: criteria provided, multiple submitters, no conflicts (2 of 4 stars). 6 submissions from 6 submitters: Benign (1); Likely benign (5). Last evaluated 2026-01-14.

Conditions:
Hereditary cancer-predisposing syndrome. Also called: Tumor predisposition; Neoplastic Syndromes, Hereditary; Hereditary Cancer Syndrome; Hereditary neoplastic syndrome. Identifiers: Orphanet 140162, MedGen C0027672, MeSH D009386, MONDO:0015356.
Familial cancer of breast. Also called: Hereditary breast cancer; BREAST CANCER, FAMILIAL; hereditary breast carcinoma. Identifiers: Orphanet 227535, MedGen C0346153, MONDO:0016419, OMIM 114480. Disease mechanism: loss of function.

Allele frequency attached by ClinVar (database versions not stated): gnomAD exomes below 0.00001; TOPMed 0.00001; gnomAD 0.00002.
gnomAD v4.1: 7 of 1,614,034 alleles (0.00043%); highest among the groups gnomAD compares: South Asian, 0.0011%; no homozygotes.

Submissions (6):

Labcorp Genetics (formerly Invitae), Labcorp
Classification: Likely benign for Familial cancer of breast. Last evaluated: 2026-01-14. Review status: criteria provided, single submitter. Criteria: Invitae Variant Classification Sherloc (09022015). Collection method: clinical testing. Allele origin: germline.

Myriad Genetics, Inc.
Classification: Benign for Familial cancer of breast. Last evaluated: 2024-10-02. Review status: criteria provided, single submitter. Criteria: Myriad Autosomal Dominant, Autosomal Recessive and X-Linked Classification Criteria (2023). Collection method: clinical testing. Allele origin: unknown.
Comment: This variant is considered benign. This variant is a silent/synonymous amino acid change and it is not expected to impact splicing.

Sema4
Classification: Likely benign for Hereditary cancer-predisposing syndrome. Last evaluated: 2020-10-16. Review status: criteria provided, single submitter. Criteria: Sema4 Curation Guidelines. Collection method: curation. Allele origin: germline.

GeneDx
Classification: Likely benign. Last evaluated: 2017-12-22. Review status: criteria provided, single submitter. Criteria: GeneDx Variant Classification (06012015). Collection method: clinical testing. Allele origin: germline. Affected: yes.
Comment: This variant is considered likely benign or benign based on one or more of the following criteria: it is a conservative change, it occurs at a poorly conserved position in the protein, it is predicted to be benign by multiple in silico algorithms, and/or has population frequency not consistent with disease.

Ambry Genetics
Classification: Likely benign for Hereditary cancer-predisposing syndrome. Last evaluated: 2015-11-14. Review status: criteria provided, single submitter. Criteria: Ambry Variant Classification Scheme 2023. Collection method: clinical testing. Allele origin: germline.

Color Diagnostics, LLC DBA Color Health
Classification: Likely benign for Hereditary cancer-predisposing syndrome. Last evaluated: 2015-04-27. Review status: criteria provided, single submitter. Criteria: ACMG Guidelines, 2015. Collection method: clinical testing. Allele origin: germline.